The following is an entry in ClinVar:

ClinVar aggregate classification (germline): Uncertain significance (1 of 4 stars; one submission).

Conditions:
Epileptic encephalopathy. Identifiers: MedGen C0543888, HP:0200134.

Submission:

Labcorp Genetics (formerly Invitae), Labcorp
Classification: Uncertain significance for Epileptic encephalopathy. Last evaluated: 2024-10-23. Review status: criteria provided, single submitter. Criteria: Invitae Variant Classification Sherloc (09022015). Collection method: clinical testing. Allele origin: germline.
Comment: This sequence change affects codon 2902 of the RYR3 mRNA. It is a 'silent' change, meaning that it does not change the encoded amino acid sequence of the RYR3 protein. It affects a nucleotide within the consensus splice site. This variant is not present in population databases (gnomAD no frequency). This variant has not been reported in the literature in individuals affected with RYR3-related conditions. ClinVar contains an entry for this variant (Variation ID: 582094). Algorithms developed to predict the effect of sequence changes on RNA splicing suggest that this variant is not likely to affect RNA splicing. In summary, the available evidence is currently insufficient to determine the role of this variant in disease. Therefore, it has been classified as a Variant of Uncertain Significance.

NM_001036.6(RYR3):c.8706C>A (p.Gly2902=)

Gene: RYR3 (ryanodine receptor 3; plus strand). Cytogenetic location: 15q14.
Variant type: single nucleotide variant.
Coding change: c.8706C>A on transcript NM_001036.6 (MANE Select); coding-DNA position 8706, C replaced by A.
Protein change: p.Gly2902=; no amino-acid change (glycine 2902 retained).
Molecular consequence: synonymous variant.
Genome position (GRCh38, 1-based): chr15:33,768,658, C>A. VCF-style: chr15-33768658-C-A. GRCh37 (hg19) VCF-style: chr15-34060859-C-A.
Other names: c.8706C>A, p.Gly2902= (NM_001243996.4).
Identifiers: ClinVar variation 582094 (VCV000582094.6), dbSNP rs774409645, ClinGen allele CA489403390.